The following is an entry in ClinVar:

ClinVar aggregate classification (germline): Uncertain significance (1 of 4 stars; one submission).

Conditions:
Cone-rod dystrophy 6 (CORD6). Also called: RETINAL CONE DYSTROPHY 2; Cone dystrophy progressive. Identifiers: Orphanet 1872, MedGen C1866293, MONDO:0011143, OMIM 601777.
Leber congenital amaurosis 1 (LCA1). Also called: AMAUROSIS CONGENITA OF LEBER I; RETINAL BLINDNESS, CONGENITAL; Congenital absence of the rods and cones; Leber's congenital tapetoretinal degeneration; Leber's congenital tapetoretinal dysplasia. Identifiers: Orphanet 65, MedGen C2931258, MONDO:0008764, OMIM 204000.

Submission:

Labcorp Genetics (formerly Invitae), Labcorp
Classification: Uncertain significance for Leber congenital amaurosis 1; Cone-rod dystrophy 6. Last evaluated: 2019-08-21. Review status: criteria provided, single submitter. Criteria: Invitae Variant Classification Sherloc (09022015). Collection method: clinical testing. Allele origin: germline.
Comment: In summary, the available evidence is currently insufficient to determine the role of this variant in disease. Therefore, it has been classified as a Variant of Uncertain Significance. Algorithms developed to predict the effect of missense changes on protein structure and function are either unavailable or do not agree on the potential impact of this missense change (SIFT: "Deleterious"; PolyPhen-2: "Benign"; Align-GVGD: "Class C0"). This variant has not been reported in the literature in individuals with GUCY2D-related conditions. This variant is not present in population databases (ExAC no frequency). This sequence change replaces asparagine with serine at codon 1063 of the GUCY2D protein (p.Asn1063Ser). The asparagine residue is highly conserved and there is a small physicochemical difference between asparagine and serine.

NM_000180.4(GUCY2D):c.3188A>G (p.Asn1063Ser)

Gene: GUCY2D (guanylate cyclase 2D, retinal; plus strand). Cytogenetic location: 17p13.1.
Variant type: single nucleotide variant.
Coding change: c.3188A>G on transcript NM_000180.4 (MANE Select); coding-DNA position 3188, A replaced by G.
Protein change: p.Asn1063Ser; replaces asparagine 1063 with serine.
Molecular consequence: missense variant.
Genome position (GRCh38, 1-based): chr17:8,016,254, A>G. VCF-style: chr17-8016254-A-G. GRCh37 (hg19) VCF-style: chr17-7919572-A-G.
Other names: short protein forms N1063S.
Identifiers: ClinVar variation 957995 (VCV000957995.9), dbSNP rs1975972260, ClinGen allele CA397956048.